The following is an entry in ClinVar:

NM_000379.4(XDH):c.445C>T (p.Arg149Cys)

Gene: XDH (xanthine dehydrogenase; minus strand). Cytogenetic location: 2p23.1.
Variant type: single nucleotide variant.
Coding change: c.445C>T on transcript NM_000379.4 (MANE Select); coding-DNA position 445, C replaced by T.
Protein change: p.Arg149Cys; replaces arginine 149 with cysteine.
Molecular consequence: missense variant.
Genome position (GRCh38, 1-based): chr2:31,397,718, G>A on the plus strand (C>T on the coding strand, the complement: XDH is on the minus strand). VCF-style: chr2-31397718-G-A. GRCh37 (hg19) VCF-style: chr2-31620584-G-A.
Other names: short protein forms R149C.
Identifiers: ClinVar variation 2956 (VCV000002956.4), dbSNP rs72549369, ClinGen allele CA210840.

ClinVar aggregate classification (germline): Likely pathogenic. Review status: criteria provided, single submitter (1 of 4 stars). 3 submissions from 3 submitters: Likely pathogenic (1). 2 of the submissions do not count toward it. Last evaluated 2025-05-01.

Conditions:
Hereditary xanthinuria type 1 (XAN1). Identifiers: Orphanet 3467, Orphanet 93601, MedGen C0268118, MONDO:0010209, OMIM 278300.

Allele frequency attached by ClinVar (database versions not stated): gnomAD 0.00003 and 0.00004; gnomAD exomes 0.00003; TOPMed 0.00003; ExAC 0.00006.
gnomAD v4.1: 39 of 1,614,030 alleles (0.0024%); highest among the groups gnomAD compares: South Asian, 0.0088%; no homozygotes.

Submissions (3):

First Genomix Gene Laboratory, Genetic Diagnostics Department
Classification: Likely pathogenic for Hereditary xanthinuria type 1. Last evaluated: 2025-05-01. Review status: criteria provided, single submitter. Criteria: ACMG Guidelines, 2015. Collection method: clinical testing. Allele origin: germline. Inheritance: Autosomal recessive inheritance. Affected: no. Observed: 1 variant allele.

Chinese Inherited Urolithiasis Consortium, The Affiliated Yantai Yuhuangding Hospital of Qingdao University
Classification: Likely pathogenic for Hereditary xanthinuria type 1. Last evaluated: 2024-08-26. Review status: no assertion criteria provided. Collection method: clinical testing. Allele origin: paternal. Affected: yes. Observed: 1 variant allele. Not counted in ClinVar's aggregate classification.

OMIM
Classification: Pathogenic for XANTHINURIA, TYPE I. Last evaluated: 2001-04-01. Review status: no assertion criteria provided. Collection method: literature only. Allele origin: germline. Not counted in ClinVar's aggregate classification.

Literature cited by the submitters: PubMed 11379872 (cited by OMIM).